The following is an entry in ClinVar:

NC_000005.9:g.(?_37106336)_(37115152_37120317)dup

Gene: CPLANE1 (ciliogenesis and planar polarity effector complex subunit 1; minus strand). Cytogenetic location: 5p13.2.
Variant type: Duplication.
Identifiers: ClinVar variation 3768648 (VCV003768648.1).

ClinVar aggregate classification (germline): Uncertain significance (1 of 4 stars; one submission).

Submission:

Women's Health and Genetics/Laboratory Corporation of America, LabCorp
Classification: Uncertain significance. Last evaluated: 2025-02-26. Review status: criteria provided, single submitter. Criteria: LabCorp Variant Classification Summary - May 2015. Collection method: clinical testing. Allele origin: germline.
Comment: Variant summary: The variant involves the duplication of exons 50-52 in the CPLANE1 gene. The exact breakpoint at the 3' end of this variant is unknown, therefore this duplication may extend downstream of the annotated region of the gene. As it duplicates the termination codon, its effect on the encoded protein is unknown. A presumed nomenclature of c.(9148+1_9149-1)_(*1368_?)dup has been designated for the purposes of this classification. The variant was absent in 21694 control chromosomes (gnomAD). The available data on variant occurrences in the general population are insufficient to allow any conclusion about variant significance. To our knowledge, no occurrence of c.(9148+1_9149-1)_(*1368_?)dup in individuals affected with Joubert Syndrome And Related Disorders and no experimental evidence demonstrating its impact on protein function have been reported. No submitters have cited clinical-significance assessments for this variant to ClinVar. Based on the evidence outlined above, the variant was classified as uncertain significance.